The following is an entry in ClinVar:

NM_005148.4(UNC119):c.281G>T (p.Arg94Leu)

Gene: UNC119 (unc-119 lipid binding chaperone; minus strand). Cytogenetic location: 17q11.2.
Variant type: single nucleotide variant.
Coding change: c.281G>T on transcript NM_005148.4 (MANE Select); coding-DNA position 281, G replaced by T.
Protein change: p.Arg94Leu; replaces arginine 94 with leucine.
Molecular consequence: missense variant. On other transcripts: 5 prime UTR variant (1).
Genome position (GRCh38, 1-based): chr17:28,548,645, C>A on the plus strand (G>T on the coding strand, the complement: UNC119 is on the minus strand). VCF-style: chr17-28548645-C-A. GRCh37 (hg19) VCF-style: chr17-26875663-C-A.
Other names: c.-5G>T (NM_001330166.2); c.281G>T, p.Arg94Leu (NM_054035.2); short protein forms R94L.
Identifiers: ClinVar variation 1435996 (VCV001435996.8), dbSNP rs763481567, ClinGen allele CA398332511.
Genomic context (GRCh38, chr17:28,548,645, plus strand): 5'-CACTCACCTGAGACTGGGGGCTTCTTGATTTCAAAGAGGACAGTGCCTGAGTCCATGTCC[C>A]GAATCTTAAACCTGACAAAGTCGATCTTGTAGATATTCTCCTCAGGGGAGCAGAGGTAGT-3'
Protein context (NP_005139.1, residues 84-104): YKIDFVRFKI[Arg94Leu]DMDSGTVLFE

ClinVar aggregate classification (germline): Uncertain significance (1 of 4 stars; one submission).

Submission:

Labcorp Genetics (formerly Invitae), Labcorp
Classification: Uncertain significance. Last evaluated: 2022-03-10. Review status: criteria provided, single submitter. Criteria: Invitae Variant Classification Sherloc (09022015). Collection method: clinical testing. Allele origin: germline.
Comment: This sequence change replaces arginine, which is basic and polar, with leucine, which is neutral and non-polar, at codon 94 of the UNC119 protein (p.Arg94Leu). This variant is not present in population databases (gnomAD no frequency). This variant has not been reported in the literature in individuals affected with UNC119-related conditions. Algorithms developed to predict the effect of missense changes on protein structure and function are either unavailable or do not agree on the potential impact of this missense change (SIFT: "Not Available"; PolyPhen-2: "Probably Damaging"; Align-GVGD: "Not Available"). In summary, the available evidence is currently insufficient to determine the role of this variant in disease. Therefore, it has been classified as a Variant of Uncertain Significance.